The following is an entry in ClinVar:

NM_198060.4(NRAP):c.5046G>A (p.Ala1682=)

Gene: NRAP (nebulin related anchoring protein; minus strand). Cytogenetic location: 10q25.3.
Variant type: single nucleotide variant.
Coding change: c.5046G>A on transcript NM_198060.4 (MANE Select); coding-DNA position 5046, G replaced by A.
Protein change: p.Ala1682=; no amino-acid change (alanine 1682 retained).
Molecular consequence: synonymous variant.
Genome position (GRCh38, 1-based): chr10:113,589,708, C>T on the plus strand (G>A on the coding strand, the complement: NRAP is on the minus strand). VCF-style: chr10-113589708-C-T. GRCh37 (hg19) VCF-style: chr10-115349467-C-T.
Other names: c.5046G>A, p.Ala1682= (NM_001261463.2); c.4938G>A, p.Ala1646= (NM_001322945.2); c.4941G>A, p.Ala1647= (NM_006175.5); c.5046G>A (NM_198060.3).
Identifiers: ClinVar variation 768389 (VCV000768389.8), dbSNP rs11575790, ClinGen allele CA5694202.

ClinVar aggregate classification (germline): Benign. Review status: criteria provided, multiple submitters, no conflicts (2 of 4 stars). 4 submissions from 4 submitters: Benign (3). 1 of the submissions does not count toward it. Last evaluated 2025-04-09.

Conditions:
NRAP-related disorder. Also called: NRAP-related condition.

Allele frequency attached by ClinVar (database versions not stated): gnomAD exomes 0.00085 and 0.00221; ExAC 0.00275; 1000 Genomes Project 0.00639; 1000 Genomes Project 30x 0.00703; gnomAD 0.00831 and 0.00908; TOPMed 0.00968; ESP Exome Variant Server 0.01123.
gnomAD v4.1: 2,558 of 1,614,064 alleles (0.16%); highest among the groups gnomAD compares: African/African-American, 2.9%; 36 homozygotes.

Submissions (4):

Molecular Diagnostic Laboratory for Inherited Cardiovascular Disease, Montreal Heart Institute
Classification: Benign. Last evaluated: 2025-04-09. Review status: criteria provided, single submitter. Criteria: ACMG Guidelines, 2015. Collection method: clinical testing. Allele origin: germline. Affected: no.

Labcorp Genetics (formerly Invitae), Labcorp
Classification: Benign. Last evaluated: 2019-12-31. Review status: criteria provided, single submitter. Criteria: Invitae Variant Classification Sherloc (09022015). Collection method: clinical testing. Allele origin: germline.

Breakthrough Genomics
Classification: Benign. Review status: criteria provided, single submitter. Criteria: ACMG Guidelines, 2015. Collection method: not provided. Allele origin: germline. Inheritance: Unknown mechanism. Affected: yes.

PreventionGenetics, part of Exact Sciences
Classification: Benign for NRAP-related condition. Last evaluated: 2019-04-01. Review status: no assertion criteria provided. Collection method: clinical testing. Allele origin: germline. Not counted in ClinVar's aggregate classification.
Comment: This variant is classified as benign based on ACMG/AMP sequence variant interpretation guidelines (Richards et al. 2015 PMID: 25741868, with internal and published modifications).